The following is an entry in ClinVar:

NM_001017995.3(SH3PXD2B):c.*3629C>A

Gene: SH3PXD2B (SH3 and PX domains 2B; minus strand). Cytogenetic location: 5q35.1.
Variant type: single nucleotide variant.
Coding change: c.*3629C>A on transcript NM_001017995.3 (MANE Select); 3629 bases downstream of the stop codon, C replaced by A.
Molecular consequence: 3 prime UTR variant. On other transcripts: intron variant (1).
Genome position (GRCh38, 1-based): chr5:172,334,740, G>T on the plus strand (C>A on the coding strand, the complement: SH3PXD2B is on the minus strand). VCF-style: chr5-172334740-G-T. GRCh37 (hg19) VCF-style: chr5-171761744-G-T.
Other names: c.1189-9360C>A (NM_001308175.2).
Identifiers: ClinVar variation 905559 (VCV000905559.4), dbSNP rs187661302, ClinGen allele CA132179259.

ClinVar aggregate classification (germline): Likely benign (1 of 4 stars; one submission).

Conditions:
Frank-Ter Haar syndrome. Also called: Borrone di Rocco Crovato syndrome; TER HAAR SYNDROME; MELNICK-NEEDLES SYNDROME, AUTOSOMAL RECESSIVE; BORRONE DERMATOCARDIOSKELETAL SYNDROME. Identifiers: Orphanet 1266, Orphanet 137834, MedGen C1855305, MONDO:0009579, OMIM 249420.

Allele frequency attached by ClinVar (database versions not stated): gnomAD exomes 0.00031; 1000 Genomes Project 0.00319; 1000 Genomes Project 30x 0.00359; gnomAD 0.00449 and 0.00476; TOPMed 0.00493.
gnomAD v4.1: 954 of 985,448 alleles (0.097%); highest among the groups gnomAD compares: African/African-American, 1.5%; 7 homozygotes.

Submission:

Illumina Laboratory Services, Illumina
Classification: Likely benign for Frank-Ter Haar syndrome. Last evaluated: 2018-01-12. Review status: criteria provided, single submitter. Criteria: ICSL Variant Classification Criteria 13 December 2019. Collection method: clinical testing. Allele origin: germline.
Comment: This variant was observed in the ICSL laboratory as part of a predisposition screen in an ostensibly healthy population. It had not been previously curated by ICSL or reported in the Human Gene Mutation Database (HGMD: prior to June 1st, 2018), and was therefore a candidate for classification through an automated scoring system. Utilizing variant allele frequency, disease prevalence and penetrance estimates, and inheritance mode, an automated score was calculated to assess if this variant is too frequent to cause the disease. Based on the score and internal cut-off values, a variant classified as likely benign is not then subjected to further curation. The score for this variant resulted in a classification of likely benign for this disease.